The following is an entry in ClinVar:

ClinVar aggregate classification (germline): Uncertain significance (1 of 4 stars; one submission).

Submission:

GeneDx
Classification: Uncertain significance. Last evaluated: 2024-11-24. Review status: criteria provided, single submitter. Criteria: GeneDx Variant Classification Process June 2021. Collection method: clinical testing. Allele origin: germline. Affected: yes.
Comment: Nonsense variant predicted to result in protein truncation as the last 9 amino acids are lost; Not observed at significant frequency in large population cohorts (gnomAD); Has not been previously published as pathogenic or benign to our knowledge

NM_001164760.2(PRKAR1B):c.1118dup (p.Tyr373Ter)

Gene: PRKAR1B (protein kinase cAMP-dependent type I regulatory subunit beta; minus strand). Cytogenetic location: 7p22.3.
Variant type: Duplication.
Coding change: c.1118dup on transcript NM_001164760.2 (MANE Select); coding-DNA position 1118, one base duplicated (A; older notation c.1118dupA).
Protein change: p.Tyr373Ter; replaces tyrosine 373 with a stop codon.
Molecular consequence: nonsense.
Genome position (GRCh38, 1-based): chr7:550,458, T duplicated on the plus strand (A on the coding strand, the reverse complement: PRKAR1B is on the minus strand). VCF-style (leftmost placement, unchanged base first): chr7-550457-G-GT. GRCh37 (hg19) VCF-style: chr7-590094-G-GT.
Other names: c.1118dup, p.Tyr373Ter (NM_001164758.2, NM_001164759.1, NM_001164761.2 and 2 more transcripts); short protein forms Y373*.
Identifiers: ClinVar variation 3900169 (VCV003900169.1).
Genomic context (GRCh38, chr7:550,457, plus strand): 5'-TGGGGAGCTGGGGCTGCAGGGCGGGAGCTGTGCTCAGACGGTGAGGGAGATGAAGCTGTT[G>GT]TAACGCTGAATGTTCCTCTTGAGGATCTCAGAGCAGGGCCCCAGCACACGCTCGAAGCGG-3'